The following is an entry in ClinVar:

ClinVar aggregate classification (germline): Uncertain significance (1 of 4 stars; one submission).

Conditions:
Inborn genetic diseases. Identifiers: MedGen C0950123, MeSH D030342.

Submission:

Ambry Genetics
Classification: Uncertain significance for Inborn genetic diseases. Last evaluated: 2026-08-22. Review status: criteria provided, single submitter. Criteria: Ambry Variant Classification Scheme 2023. Collection method: clinical testing. Allele origin: germline.
Comment: The p.G837S variant (also known as c.2509G>A), located in coding exon 17 of the PIK3CA gene, results from a G to A substitution at nucleotide position 2509. The glycine at codon 837 is replaced by serine, an amino acid with similar properties. This amino acid position is conserved. In addition, this alteration is predicted to be deleterious by in silico analysis. Based on the available evidence, the clinical significance of this variant remains unclear.

NM_006218.4(PIK3CA):c.2509G>A (p.Gly837Ser)

Gene: PIK3CA (phosphatidylinositol-4,5-bisphosphate 3-kinase catalytic subunit alpha; plus strand). Cytogenetic location: 3q26.32.
Variant type: single nucleotide variant.
Coding change: c.2509G>A on transcript NM_006218.4 (MANE Select); coding-DNA position 2509, G replaced by A.
Protein change: p.Gly837Ser; replaces glycine 837 with serine.
Molecular consequence: missense variant.
Genome position (GRCh38, 1-based): chr3:179,229,285, G>A. VCF-style: chr3-179229285-G-A. GRCh37 (hg19) VCF-style: chr3-178947073-G-A.
Other names: short protein forms G837S.
Identifiers: ClinVar variation 5026706 (VCV005026706.1).
Genomic context (GRCh38, chr3:179,229,285, plus strand): 5'-TTTTAAAATTCCATCATTTAATTGTAAACGTGTTACTCCTCTTTCAGAATGTTACCTTAT[G>A]GTTGTCTGTCAATCGGTGACTGTGTGGGACTTATTGAGGTGGTGCGAAATTCTCACACTA-3'
Protein context (NP_006209.2, residues 827-847): QGLDLRMLPY[Gly837Ser]CLSIGDCVGL